The following is an entry in ClinVar:

ClinVar aggregate classification (germline): Uncertain significance (1 of 4 stars; one submission).

Conditions:
SPTAN1-related disorder. Also called: SPTAN1-related disorders; SPTAN1-related condition.

Submission:

3billion
Classification: Uncertain significance for SPTAN1-related disorder. Last evaluated: 2025-05-28. Review status: criteria provided, single submitter. Criteria: ACMG Guidelines, 2015. Collection method: clinical testing. Allele origin: germline. Affected: yes.
Comment: The variant is not observed in the gnomAD v4.1.0 dataset. Predicted Consequence/Location: Missense variant Different missense changes at the same codon have been reported as of uncertain significance (ClinVar ID: VCV002188093). Therefore, this variant is classified as VUS according to the recommendation of ACMG/AMP guideline.

NM_001130438.3(SPTAN1):c.7297_7298delinsCT (p.Glu2433Leu)

Gene: SPTAN1 (spectrin alpha, non-erythrocytic 1; plus strand). Cytogenetic location: 9q34.11.
Variant type: Indel.
Coding change: c.7297_7298delinsCT on transcript NM_001130438.3 (MANE Select); coding-DNA positions 7297 to 7298, GA replaced by CT.
Protein change: p.Glu2433Leu; replaces glutamic acid 2433 with leucine.
Molecular consequence: missense variant.
Genome position (GRCh38, 1-based): chr9:128,632,944-128,632,945, GA replaced by CT. VCF-style: chr9-128632944-GA-CT. GRCh37 (hg19) VCF-style: chr9-131395223-GA-CT.
Other names: c.7222_7223delinsCT, p.Glu2408Leu (NM_001195532.2); c.7360_7361delinsCT, p.Glu2454Leu (NM_001363759.2); c.7237_7238delinsCT, p.Glu2413Leu (NM_001363765.2, NM_001375314.2); c.7384_7385delinsCT, p.Glu2462Leu (NM_001375310.1); c.7297_7298delinsCT, p.Glu2433Leu (NM_001375311.2); c.7333_7334delinsCT, p.Glu2445Leu (NM_001375312.2, NM_001438440.1); c.7279_7280delinsCT, p.Glu2427Leu (NM_001375313.1); c.7396_7397delinsCT, p.Glu2466Leu (NM_001375318.1); and 6 more; short protein forms E2402L, E2407L, E2408L, E2413L, E2422L, E2427L, E2428L, E2429L.
Identifiers: ClinVar variation 4855335 (VCV004855335.1).